The following is an entry in ClinVar:

ClinVar aggregate classification (germline): Benign/Likely benign. Review status: criteria provided, multiple submitters, no conflicts (2 of 4 stars). 11 submissions from 11 submitters: Benign (3); Likely benign (5). 3 of the submissions do not count toward it. Last evaluated 2026-09-01.

Conditions:
Epidermolysis bullosa simplex 5B, with muscular dystrophy (EBS5B). Also called: Epidermolysis bullosa simplex with muscular dystrophy; EPIDERMOLYSIS BULLOSA SIMPLEX AND LIMB-GIRDLE MUSCULAR DYSTROPHY. Identifiers: Orphanet 257, MedGen C2931072, MONDO:0009181, OMIM 226670.
Epidermolysis bullosa simplex with nail dystrophy (EBS5D). Identifiers: MedGen C4225309, MONDO:0014661, OMIM 616487.
Autosomal recessive limb-girdle muscular dystrophy type 2Q (LGMDR17). Also called: MUSCULAR DYSTROPHY, LIMB-GIRDLE, AUTOSOMAL RECESSIVE 17. Identifiers: Orphanet 254361, MedGen C3150989, MONDO:0013390, OMIM 613723.
Epidermolysis bullosa simplex 5C, with pyloric atresia (EBS5C). Also called: PLEC-Related Epidermolysis Bullosa with Pyloric Atresia; PLEC1-Related Epidermolysis Bullosa with Pyloric Atresia; Epidermolysis bullosa simplex with pyloric atresia. Identifiers: Orphanet 158684, MedGen C2677349, MONDO:0012807, OMIM 612138.
Epidermolysis bullosa simplex, Ogna type (EBS5A). Also called: Pidermolysis bullosa simplex 5A, Ogna type; EPIDERMOLYSIS BULLOSA SIMPLEX 5A, OGNA TYPE. Identifiers: Orphanet 79401, MedGen C0432317, MONDO:0007555, OMIM 131950.

Allele frequency attached by ClinVar (database versions not stated): 1000 Genomes Project 0.00040; 1000 Genomes Project 30x 0.00062; TOPMed 0.00173; gnomAD exomes 0.00176; ExAC 0.00181; ESP Exome Variant Server 0.00204; gnomAD 0.00226.
gnomAD v4.1: 4,274 of 1,612,364 alleles (0.27%); highest among the groups gnomAD compares: Non-Finnish European, 0.33%; 7 homozygotes.

Submissions (11):

CeGaT Center for Human Genetics Tuebingen
Classification: Likely benign. Last evaluated: 2026-09-01. Review status: criteria provided, single submitter. Criteria: CeGaT Center For Human Genetics Tuebingen Variant Classification Criteria Version 2. Collection method: clinical testing. Allele origin: germline. Affected: yes. Observed: 10 variant alleles.
Comment: PLEC: BP4, BP7

Women's Health and Genetics/Laboratory Corporation of America, LabCorp
Classification: Likely benign. Last evaluated: 2026-03-24. Review status: criteria provided, single submitter. Criteria: LabCorp Variant Classification Summary - May 2015. Collection method: clinical testing. Allele origin: germline.

Labcorp Genetics (formerly Invitae), Labcorp
Classification: Benign for Autosomal recessive limb-girdle muscular dystrophy type 2Q; Epidermolysis bullosa simplex, Ogna type; Epidermolysis bullosa simplex with nail dystrophy; Epidermolysis bullosa simplex 5C, with pyloric atresia; Epidermolysis bullosa simplex 5B, with muscular dystrophy. Last evaluated: 2026-01-02. Review status: criteria provided, single submitter. Criteria: Invitae Variant Classification Sherloc (09022015). Collection method: clinical testing. Allele origin: germline.

Blueprint Genetics
Classification: Likely benign. Last evaluated: 2024-11-22. Review status: criteria provided, single submitter. Criteria: ACMG Guidelines, 2015. Collection method: clinical testing. Allele origin: germline.

Mayo Clinic Laboratories, Mayo Clinic
Classification: Benign. Last evaluated: 2024-09-05. Review status: criteria provided, single submitter. Criteria: ACMG Guidelines, 2015. Collection method: clinical testing. Allele origin: germline. Observed: 9 variant alleles.
Comment: BS1, BS2, BP4, BP7

GeneDx
Classification: Likely benign. Last evaluated: 2020-04-06. Review status: criteria provided, single submitter. Criteria: GeneDx Variant Classification Process June 2021. Collection method: clinical testing. Allele origin: germline. Affected: yes.

Athena Diagnostics
Classification: Benign. Last evaluated: 2019-02-27. Review status: criteria provided, single submitter. Criteria: Athena Diagnostics Criteria. Collection method: clinical testing. Allele origin: germline.

Eurofins Ntd Llc (ga)
Classification: Likely benign. Last evaluated: 2016-12-21. Review status: criteria provided, single submitter. Criteria: EGL Classification Definitions 2015. Collection method: clinical testing. Allele origin: germline. Observed: 14 variant alleles, 14 heterozygotes.

Clinical Genetics DNA and cytogenetics Diagnostics Lab, Erasmus MC, Erasmus Medical Center
Classification: Likely benign. Review status: no assertion criteria provided. Collection method: clinical testing. Allele origin: germline. Affected: yes. Study: VKGL Data-share Consensus. Not counted in ClinVar's aggregate classification.

Genome Diagnostics Laboratory, University Medical Center Utrecht
Classification: Likely benign. Review status: no assertion criteria provided. Collection method: clinical testing. Allele origin: germline. Affected: yes. Study: VKGL Data-share Consensus. Not counted in ClinVar's aggregate classification.

Laboratory of Diagnostic Genome Analysis, Leiden University Medical Center (LUMC)
Classification: Likely benign. Review status: no assertion criteria provided. Collection method: clinical testing. Allele origin: germline. Affected: yes. Study: VKGL Data-share Consensus. Not counted in ClinVar's aggregate classification.

NM_201384.3(PLEC):c.12642C>T (p.Ile4214=)

Gene: PLEC (plectin; minus strand). Cytogenetic location: 8q24.3.
Variant type: single nucleotide variant.
Coding change: c.12642C>T on transcript NM_201384.3 (MANE Select); coding-DNA position 12642, C replaced by T.
Protein change: p.Ile4214=; no amino-acid change (isoleucine 4214 retained).
Molecular consequence: synonymous variant.
Genome position (GRCh38, 1-based): chr8:143,917,179, G>A on the plus strand (C>T on the coding strand, the complement: PLEC is on the minus strand). VCF-style: chr8-143917179-G-A. GRCh37 (hg19) VCF-style: chr8-144991347-G-A.
Other names: p.Ile4200=; c.12723C>T, p.Ile4241= (NM_000445.5); c.12600C>T, p.Ile4200= (NM_201378.4); c.12576C>T, p.Ile4192= (NM_201379.3); c.13053C>T, p.Ile4351= (NM_201380.4); c.12546C>T, p.Ile4182= (NM_201381.3); c.12642C>T, p.Ile4214= (NM_201382.4); c.12654C>T, p.Ile4218= (NM_201383.3).
Identifiers: ClinVar variation 196852 (VCV000196852.47), dbSNP rs111227648, ClinGen allele CA244568.